The following is an entry in ClinVar:

NM_002109.6(HARS1):c.824-1G>A

Gene: HARS1 (histidyl-tRNA synthetase 1; minus strand). Cytogenetic location: 5q31.3.
Variant type: single nucleotide variant.
Coding change: c.824-1G>A on transcript NM_002109.6 (MANE Select); the canonical splice acceptor site of the intron before coding-DNA position 824, G replaced by A.
Molecular consequence: splice acceptor variant.
Genome position (GRCh38, 1-based): chr5:140,677,117, C>T on the plus strand (G>A on the coding strand, the complement: HARS1 is on the minus strand). VCF-style: chr5-140677117-C-T. GRCh37 (hg19) VCF-style: chr5-140056702-C-T.
Other names: c.737-1G>A (NM_001289094.2); c.482-1G>A (NM_001289093.2); c.644-1G>A (NM_001258042.3); c.704-1G>A (NM_001258040.3); c.602-1G>A (NM_001289092.2); c.764-1G>A (NM_001258041.3).
Identifiers: ClinVar variation 2116767 (VCV002116767.4), dbSNP rs2481250106, ClinGen allele CA361253522.

ClinVar aggregate classification (germline): Uncertain significance (1 of 4 stars; one submission).

Conditions:
Usher syndrome type 3B. Also called: USHER SYNDROME, TYPE IIIB. Identifiers: MedGen C3281066, MONDO:0013788, OMIM 614504.

Submission:

Labcorp Genetics (formerly Invitae), Labcorp
Classification: Uncertain significance for Usher syndrome type 3B. Last evaluated: 2024-10-29. Review status: criteria provided, single submitter. Criteria: Invitae Variant Classification Sherloc (09022015). Collection method: clinical testing. Allele origin: germline.
Comment: This sequence change affects an acceptor splice site in intron 8 of the HARS gene. It is expected to disrupt RNA splicing. Variants that disrupt the donor or acceptor splice site typically lead to a loss of protein function (PMID: 16199547), however the current clinical and genetic evidence is not sufficient to establish whether loss-of-function variants in HARS cause disease. This variant is not present in population databases (gnomAD no frequency). This variant has not been reported in the literature in individuals affected with HARS-related conditions. ClinVar contains an entry for this variant (Variation ID: 2116767). Algorithms developed to predict the effect of sequence changes on RNA splicing suggest that this variant may disrupt the consensus splice site. In summary, the available evidence is currently insufficient to determine the role of this variant in disease. Therefore, it has been classified as a Variant of Uncertain Significance.

Literature cited by the submitters: PubMed 16199547.